The following is an entry in ClinVar:

NM_138694.4(PKHD1):c.8317G>T (p.Val2773Leu)

Gene: PKHD1 (PKHD1 ciliary IPT domain containing fibrocystin/polyductin; minus strand). Cytogenetic location: 6p12.3.
Variant type: single nucleotide variant.
Coding change: c.8317G>T on transcript NM_138694.4 (MANE Select); coding-DNA position 8317, G replaced by T.
Protein change: p.Val2773Leu; replaces valine 2773 with leucine.
Molecular consequence: missense variant.
Genome position (GRCh38, 1-based): chr6:51,791,359, C>A on the plus strand (G>T on the coding strand, the complement: PKHD1 is on the minus strand). VCF-style: chr6-51791359-C-A. GRCh37 (hg19) VCF-style: chr6-51656157-C-A.
Other names: c.8317G>T, p.Val2773Leu (NM_170724.3); short protein forms V2773L.
Identifiers: ClinVar variation 528299 (VCV000528299.26), dbSNP rs747322128, ClinGen allele CA3851664.

ClinVar aggregate classification (germline): Pathogenic/Likely pathogenic. Review status: criteria provided, multiple submitters, no conflicts (2 of 4 stars). 10 submissions from 10 submitters: Pathogenic (3); Likely pathogenic (3). 4 of the submissions do not count toward it. Last evaluated 2025-12-09.

Conditions:
Polycystic kidney disease 4 (PKD4). Also called: Autosomal Recessive Polycystic Kidney Disease – PKHD1; POLYCYSTIC KIDNEY AND HEPATIC DISEASE 1; POLYCYSTIC KIDNEY DISEASE, INFANTILE, TYPE I; PKD3; POLYCYSTIC KIDNEY DISEASE 4 WITH OR WITHOUT POLYCYSTIC LIVER DISEASE. Identifiers: MedGen C4540575, MONDO:0033004, OMIM 263200.
PKHD1-related disorder. Also called: PKHD1-related condition.
Autosomal recessive polycystic kidney disease (ARPKD). Also called: AR polycystic kidney disease. Identifiers: Orphanet 731, Orphanet 8378, MedGen C0085548, MeSH D017044, MONDO:0009889.

Allele frequency attached by ClinVar (database versions not stated): ExAC 0.00001; TOPMed 0.00001; gnomAD exomes 0.00005 and 0.00001; gnomAD 0.00001.
gnomAD v4.1: 74 of 1,613,530 alleles (0.0046%); highest among the groups gnomAD compares: Non-Finnish European, 0.0061%; no homozygotes.

Submissions (10):

Natera, Inc.
Classification: Likely pathogenic for Autosomal recessive polycystic kidney disease. Last evaluated: 2025-12-09. Review status: criteria provided, single submitter. Criteria: Natera Variant Classification Schema (03/2026). Collection method: clinical testing. Allele origin: germline.
Comment: The c.8317G>T variant in PKHD1 is a missense variant predicted to cause substitution of valine to leucine at amino acid 2773. This variant is rare in the general population with a frequency below the threshold expected for the associated phenotype(s). This variant has been observed in one or more individuals affected with the associated recessive disease, as either homozygous or compound heterozygous with a second variant (PMID: 16133180, 19940839, 28170084, 30586318). Computational prediction algorithms indicate this variant is likely to affect gene or protein function. Given the available evidence, this variant is classified as Likely Pathogenic.

GeneDx
Classification: Pathogenic. Last evaluated: 2025-06-08. Review status: criteria provided, single submitter. Criteria: GeneDx Variant Classification Process June 2021. Collection method: clinical testing. Allele origin: germline. Affected: yes.
Comment: Not observed at significant frequency in large population cohorts (gnomAD); In silico analysis suggests that this missense variant does not alter protein structure/function; This variant is associated with the following publications: (PMID: 30586318, 16133180, 28170084, 33940108, 19940839, 38057357)

Fulgent Genetics
Classification: Likely pathogenic for Polycystic kidney disease 4. Last evaluated: 2024-03-26. Review status: criteria provided, single submitter. Criteria: ACMG Guidelines, 2015. Collection method: clinical testing. Allele origin: germline.

Labcorp Genetics (formerly Invitae), Labcorp
Classification: Pathogenic for Autosomal recessive polycystic kidney disease. Last evaluated: 2024-02-18. Review status: criteria provided, single submitter. Criteria: Invitae Variant Classification Sherloc (09022015). Collection method: clinical testing. Allele origin: germline.
Comment: This sequence change replaces valine, which is neutral and non-polar, with leucine, which is neutral and non-polar, at codon 2773 of the PKHD1 protein (p.Val2773Leu). This variant is present in population databases (rs747322128, gnomAD 0.003%). This missense change has been observed in individual(s) with clinical features of autosomal recessive polycystic kidney disease (PMID: 16133180, 19940839; Invitae). In at least one individual the data is consistent with being in trans (on the opposite chromosome) from a pathogenic variant. ClinVar contains an entry for this variant (Variation ID: 528299). Advanced modeling of protein sequence and biophysical properties (such as structural, functional, and spatial information, amino acid conservation, physicochemical variation, residue mobility, and thermodynamic stability) performed at Invitae indicates that this missense variant is expected to disrupt PKHD1 protein function with a positive predictive value of 95%. For these reasons, this variant has been classified as Pathogenic.

Women's Health and Genetics/Laboratory Corporation of America, LabCorp
Classification: Pathogenic for Autosomal recessive polycystic kidney disease. Last evaluated: 2022-12-27. Review status: criteria provided, single submitter. Criteria: LabCorp Variant Classification Summary - May 2015. Collection method: clinical testing. Allele origin: germline.
Comment: Variant summary: PKHD1 c.8317G>T (p.Val2773Leu) results in a conservative amino acid change located in the G8 domain (IPR019316) of the encoded protein sequence. Four of five in-silico tools predict a damaging effect of the variant on protein function. The variant allele was found at a frequency of 1.2e-05 in 251162 control chromosomes (gnomAD). c.8317G>T has been reported in the literature in multiple individuals affected with Polycystic Kidney And Hepatic Disease (e.g. Losekoot_2005, Denamur_2010, Balci_2017, Groopman_2019, Burgmaier_2021). These data indicate that the variant is very likely to be associated with disease. To our knowledge, no experimental evidence demonstrating an impact on protein function has been reported. Three ClinVar submitters (evaluation after 2014) cite the variant as pathogenic/likely pathogenic and one ClinVar submitter (evaluation after 2014) cites it as uncertain significance. Based on the evidence outlined above, the variant was classified as pathogenic.

Division Of Personalized Genomic Medicine, Columbia University Irving Medical Center
Classification: Likely pathogenic for Polycystic kidney disease 4. Last evaluated: 2020-02-24. Review status: criteria provided, single submitter. Criteria: ACMG Guidelines, 2015. Collection method: clinical testing. Allele origin: germline. Inheritance: Autosomal recessive inheritance. Observed: 1 compound heterozygote.
Comment: The c.8317G>T variant is a heterozygous, single base pair substitution at nucleotide 8317 in exon 53 of 67 of the PKHD1 gene, resulting in the substitution of a well-conserved, Valine residue at amino acid position 2773 to a non-polar Leucine residue. The c.8317G>T variant is observed in gnomAD in heterozygous but not homozygous form indicating it is not a common benign variant in the populations represented in this database. The variant has been observed in trans with a pathogenic variant in an individual with AR Polycystic Kidney Disease (PMID: 16133180, 28170084).

PreventionGenetics, part of Exact Sciences
Classification: Likely pathogenic for PKHD1-related condition. Last evaluated: 2024-08-09. Review status: no assertion criteria provided. Collection method: clinical testing. Allele origin: germline. Not counted in ClinVar's aggregate classification.
Comment: The PKHD1 c.8317G>T variant is predicted to result in the amino acid substitution p.Val2773Leu. This variant has been reported together with different pathogenic variants in individuals with polycystic kidney disease (Losekoot et al. 2005. PubMed ID: 16133180; Balci et al. 2017. PubMed ID: 28170084) or a nephropathy of unknown origin (Table S7, Groopman et al. 2018. PubMed ID: 30586318). At PreventionGenetics, this variant was also found with different pathogenic variants in individuals tested for polycystic kidney disease. This variant is reported in 0.0026% of alleles in individuals of European (Non-Finnish) descent in gnomAD. In summary, this variant is interpreted as likely pathogenic.

Gharavi Laboratory, Columbia University
Classification: Likely pathogenic. Last evaluated: 2018-09-16. Review status: no assertion criteria provided. Criteria: ACMG Guidelines, 2015. Collection method: research. Allele origin: germline. Affected: yes. Not counted in ClinVar's aggregate classification.

Counsyl
Classification: Likely pathogenic for Polycystic kidney disease 4. Last evaluated: 2018-02-13. Review status: no assertion criteria provided. Collection method: clinical testing. Allele origin: unknown. Not counted in ClinVar's aggregate classification.

Genomics And Bioinformatics Analysis Resource, Columbia University
Classification: Likely pathogenic for Polycystic kidney disease 4. Review status: no assertion criteria provided. Collection method: research. Allele origin: unknown. Affected: yes. Not counted in ClinVar's aggregate classification.
Comment: Compound Heterozygous

Literature cited by the submitters: PubMed 16133180 (cited by 5 submitters); PubMed 19940839 (cited by 4 submitters); PubMed 28170084 (cited by 4 submitters); PubMed 30586318 (cited by Natera, Inc. and Women's Health and Genetics/Laboratory Corporation of America, LabCorp); PubMed 33940108 (cited by Women's Health and Genetics/Laboratory Corporation of America, LabCorp).